The following is an entry in ClinVar:

ClinVar aggregate classification (germline): Uncertain significance (1 of 4 stars; one submission).

gnomAD v4.1: 1 of 1,614,188 alleles (0.000062%); highest among the groups gnomAD compares: South Asian, 0.0011%; no homozygotes.

Submission:

Ambry Genetics
Classification: Uncertain significance. Last evaluated: 2023-02-04. Review status: criteria provided, single submitter. Criteria: Ambry Variant Classification Scheme 2023. Collection method: clinical testing. Allele origin: germline.
Comment: The p.A345S variant (also known as c.1033G>T), located in coding exon 3 of the TERF2IP gene, results from a G to T substitution at nucleotide position 1033. The alanine at codon 345 is replaced by serine, an amino acid with similar properties. This amino acid position is conserved. In addition, this alteration is predicted to be tolerated by in silico analysis. Since supporting evidence is limited at this time, the clinical significance of this alteration remains unclear.

NM_018975.4(TERF2IP):c.1033G>T (p.Ala345Ser)

Gene: TERF2IP (TERF2 interacting protein; plus strand). Cytogenetic location: 16q23.1.
Variant type: single nucleotide variant.
Coding change: c.1033G>T on transcript NM_018975.4 (MANE Select); coding-DNA position 1033, G replaced by T.
Protein change: p.Ala345Ser; replaces alanine 345 with serine.
Molecular consequence: missense variant. On other transcripts: non-coding transcript variant (1).
Genome position (GRCh38, 1-based): chr16:75,656,444, G>T. VCF-style: chr16-75656444-G-T. GRCh37 (hg19) VCF-style: chr16-75690342-G-T.
Other names: short protein forms A345S.
Identifiers: ClinVar variation 2448544 (VCV002448544.2), dbSNP rs2507089669, ClinGen allele CA396820127.